The following is an entry in ClinVar:

ClinVar aggregate classification (germline): Uncertain significance (1 of 4 stars; one submission).

Conditions:
Amelocerebrohypohidrotic syndrome (KTZS). Also called: EPILEPSY AND YELLOW TEETH; EPILEPSY, DEMENTIA, AND AMELOGENESIS IMPERFECTA; KOHLSCHUTTER SYNDROME; Kohlschutter's syndrome. Identifiers: Orphanet 1946, MedGen C0406740, MONDO:0009185, OMIM 226750.

Allele frequency attached by ClinVar (database versions not stated): gnomAD 0.00004; TOPMed 0.00007.

Submission:

Labcorp Genetics (formerly Invitae), Labcorp
Classification: Uncertain significance for Amelocerebrohypohidrotic syndrome. Last evaluated: 2024-06-17. Review status: criteria provided, single submitter. Criteria: Invitae Variant Classification Sherloc (09022015). Collection method: clinical testing. Allele origin: germline.
Comment: This sequence change replaces glutamic acid, which is acidic and polar, with glycine, which is neutral and non-polar, at codon 53 of the ROGDI protein (p.Glu53Gly). This variant is not present in population databases (gnomAD no frequency). This variant has not been reported in the literature in individuals affected with ROGDI-related conditions. ClinVar contains an entry for this variant (Variation ID: 2124049). An algorithm developed to predict the effect of missense changes on protein structure and function (PolyPhen-2) suggests that this variant is likely to be tolerated. In summary, the available evidence is currently insufficient to determine the role of this variant in disease. Therefore, it has been classified as a Variant of Uncertain Significance.

NM_024589.3(ROGDI):c.158A>G (p.Glu53Gly)

Gene: ROGDI (rogdi atypical leucine zipper; minus strand). Cytogenetic location: 16p13.3.
Variant type: single nucleotide variant.
Coding change: c.158A>G on transcript NM_024589.3 (MANE Select); coding-DNA position 158, A replaced by G.
Protein change: p.Glu53Gly; replaces glutamic acid 53 with glycine.
Molecular consequence: missense variant. On other transcripts: non-coding transcript variant (1).
Genome position (GRCh38, 1-based): chr16:4,801,545, T>C on the plus strand (A>G on the coding strand, the complement: ROGDI is on the minus strand). VCF-style: chr16-4801545-T-C. GRCh37 (hg19) VCF-style: chr16-4851546-T-C.
Other names: short protein forms E53G.
Identifiers: ClinVar variation 2124049 (VCV002124049.4), dbSNP rs1278467004, ClinGen allele CA394655345.